The following is an entry in ClinVar:

NM_138959.3(VANGL1):c.821G>A (p.Arg274Gln)

Gene: VANGL1 (VANGL planar cell polarity protein 1; plus strand). Cytogenetic location: 1p13.1.
Variant type: single nucleotide variant.
Coding change: c.821G>A on transcript NM_138959.3 (MANE Select); coding-DNA position 821, G replaced by A.
Protein change: p.Arg274Gln; replaces arginine 274 with glutamine.
Molecular consequence: missense variant.
Genome position (GRCh38, 1-based): chr1:115,682,372, G>A. VCF-style: chr1-115682372-G-A. GRCh37 (hg19) VCF-style: chr1-116224993-G-A.
Other names: c.815G>A, p.Arg272Gln (NM_001172411.2); c.821G>A, p.Arg274Gln (NM_001172412.2); short protein forms R274Q, R272Q.
Identifiers: ClinVar variation 1347 (VCV000001347.3), dbSNP rs121918219, ClinGen allele CA114941.
Genomic context (GRCh38, chr1:115,682,372, plus strand): 5'-CCTGCTTCTTCAGTGAAAAAGCTTTGCATTAATTTTGTTCTTTTTTTCTCAGTATCCAGC[G>A]AGCAGCATTGGTGGTCCTAGAAAATTACTACAAAGATTTCACCATCTATAACCCAAACCT-3'
Protein context (NP_620409.1, residues 264-284): FYSLGHLSIQ[Arg274Gln]AALVVLENYY

ClinVar aggregate classification (germline): Likely pathogenic. Review status: criteria provided, single submitter (1 of 4 stars). 3 submissions from 3 submitters: Likely pathogenic (1). 2 of the submissions do not count toward it. Last evaluated 2025-04-25.

Conditions:
Neural tube defects, susceptibility to. Identifiers: MedGen C3891448, MONDO:0020705, OMIM 182940.

Allele frequency attached by ClinVar (database versions not stated): gnomAD exomes 0.00002; ExAC 0.00003; TOPMed 0.00003; gnomAD 0.00004.
gnomAD v4.1: 52 of 1,613,970 alleles (0.0032%); highest among the groups gnomAD compares: African/African-American, 0.011%; no homozygotes.

Submissions (3):

Institute of Immunology and Genetics Kaiserslautern
Classification: Likely pathogenic for Neural tube defects, susceptibility to. Last evaluated: 2025-04-25. Review status: criteria provided, single submitter. Criteria: ACMG Guidelines, 2015. Collection method: clinical testing. Allele origin: germline.
Comment: ACMG Criteria: PS3_P, PS4_M, PM1_P, PM2_P, PP1, PP3, PP5; Variant was found in heterozygous state.

Gharavi Laboratory, Columbia University
Classification: Uncertain significance. Last evaluated: 2018-09-16. Review status: no assertion criteria provided. Criteria: ACMG Guidelines, 2015. Collection method: research. Allele origin: germline. Affected: no. Not counted in ClinVar's aggregate classification.

OMIM
Classification: risk factor for NEURAL TUBE DEFECTS, SUSCEPTIBILITY TO. Last evaluated: 2014-08-19. Review status: no assertion criteria provided. Collection method: literature only. Allele origin: germline. Not counted in ClinVar's aggregate classification.

Literature cited by the submitters: PubMed 17409324 (cited by OMIM); PubMed 25068569 (cited by OMIM).